The following is an entry in ClinVar:

NM_016239.4(MYO15A):c.4337T>C (p.Ile1446Thr)

Gene: MYO15A (myosin XVA; plus strand). Cytogenetic location: 17p11.2.
Variant type: single nucleotide variant.
Coding change: c.4337T>C on transcript NM_016239.4 (MANE Select); coding-DNA position 4337, T replaced by C.
Protein change: p.Ile1446Thr; replaces isoleucine 1446 with threonine.
Molecular consequence: missense variant.
Genome position (GRCh38, 1-based): chr17:18,133,241, T>C. VCF-style: chr17-18133241-T-C. GRCh37 (hg19) VCF-style: chr17-18036555-T-C.
Other names: short protein forms I1446T.
Identifiers: ClinVar variation 4527132 (VCV004527132.1).
Genomic context (GRCh38, chr17:18,133,241, plus strand): 5'-GCCCCACCCAAGCTCCCTGACCCTCAGCCTCTGCCCTCATGCAGGGTGGGAACTGTGAGA[T>C]AGCAGGAAAGAGCGATGCAGATGACTTTCGCCGGCTCCTGGCTGCCATGGAGGTGTTGGG-3'
Protein context (NP_057323.3, residues 1436-1456): YYLNQGGNCE[Ile1446Thr]AGKSDADDFR

ClinVar aggregate classification (germline): Uncertain significance (1 of 4 stars; one submission).

gnomAD v4.1: 3 of 1,614,002 alleles (0.00019%); highest among the groups gnomAD compares: African/African-American, 0.0013%; no homozygotes.

Submission:

GeneDx
Classification: Uncertain significance. Last evaluated: 2025-04-21. Review status: criteria provided, single submitter. Criteria: GeneDx Variant Classification Process June 2021. Collection method: clinical testing. Allele origin: germline. Affected: yes.
Comment: Not observed at significant frequency in large population cohorts (gnomAD); In silico analysis supports that this missense variant has a deleterious effect on protein structure/function; Has not been previously published as pathogenic or benign to our knowledge